The following is an entry in ClinVar:

ClinVar aggregate classification (germline): Likely benign (1 of 4 stars; one submission).

Allele frequency attached by ClinVar (database versions not stated): gnomAD 0.00001; 1000 Genomes Project 30x 0.00016.
gnomAD v4.1: 5 of 1,595,772 alleles (0.00031%); highest among the groups gnomAD compares: East Asian, 0.0023%; no homozygotes.

Submission:

CeGaT Center for Human Genetics Tuebingen
Classification: Likely benign. Last evaluated: 2022-07-01. Review status: criteria provided, single submitter. Criteria: CeGaT Center For Human Genetics Tuebingen Variant Classification Criteria Version 2. Collection method: clinical testing. Allele origin: germline. Affected: yes. Observed: 1 variant allele.
Comment: MTR: BP4, BP7

NM_000254.3(MTR):c.3534C>T (p.Pro1178=)

Gene: MTR (5-methyltetrahydrofolate-homocysteine methyltransferase; plus strand). Cytogenetic location: 1q43.
Variant type: single nucleotide variant.
Coding change: c.3534C>T on transcript NM_000254.3 (MANE Select); coding-DNA position 3534, C replaced by T.
Protein change: p.Pro1178=; no amino-acid change (proline 1178 retained).
Molecular consequence: synonymous variant.
Genome position (GRCh38, 1-based): chr1:236,895,486, C>T. VCF-style: chr1-236895486-C-T. GRCh37 (hg19) VCF-style: chr1-237058786-C-T.
Other names: c.3381C>T, p.Pro1127= (NM_001291939.1); c.2313C>T, p.Pro771= (NM_001291940.2); c.3345C>T, p.Pro1115= (NM_001410942.1).
Identifiers: ClinVar variation 2640114 (VCV002640114.24), dbSNP rs746518670, ClinGen allele CA423817836.